The following is an entry in ClinVar:

NM_016239.4(MYO15A):c.*612C>G

Gene: MYO15A (myosin XVA; plus strand). Cytogenetic location: 17p11.2.
Variant type: single nucleotide variant.
Coding change: c.*612C>G on transcript NM_016239.4 (MANE Select); 612 bases downstream of the stop codon, C replaced by G.
Molecular consequence: 3 prime UTR variant.
Genome position (GRCh38, 1-based): chr17:18,179,482, C>G. VCF-style: chr17-18179482-C-G. GRCh37 (hg19) VCF-style: chr17-18082796-C-G.
Identifiers: ClinVar variation 322191 (VCV000322191.6), dbSNP rs10048161, ClinGen allele CA10639126.

ClinVar aggregate classification (germline): Benign. Review status: criteria provided, multiple submitters, no conflicts (2 of 4 stars). 2 submissions from 2 submitters: Benign (2). Last evaluated 2018-01-12.

Conditions:
Autosomal recessive nonsyndromic hearing loss 3. Also called: NEUROSENSORY NONSYNDROMIC RECESSIVE DEAFNESS 3. Identifiers: Orphanet 90636, MedGen C1838263, MONDO:0010860, OMIM 600316.

Allele frequency attached by ClinVar (database versions not stated): 1000 Genomes Project 0.15675; 1000 Genomes Project 30x 0.16193; gnomAD 0.17931; gnomAD exomes 0.18157; TOPMed 0.19287.

Submissions (2):

Illumina Laboratory Services, Illumina
Classification: Benign for Autosomal recessive nonsyndromic hearing loss 3. Last evaluated: 2018-01-12. Review status: criteria provided, single submitter. Criteria: ICSL Variant Classification Criteria 13 December 2019. Collection method: clinical testing. Allele origin: germline.
Comment: This variant was observed in the ICSL laboratory as part of a predisposition screen in an ostensibly healthy population. It had not been previously curated by ICSL or reported in the Human Gene Mutation Database (HGMD: prior to June 1st, 2018), and was therefore a candidate for classification through an automated scoring system. Utilizing variant allele frequency, disease prevalence and penetrance estimates, and inheritance mode, an automated score was calculated to assess if this variant is too frequent to cause the disease. Based on the score and internal cut-off values, a variant classified as benign is not then subjected to further curation. The score for this variant resulted in a classification of benign for this disease.

Breakthrough Genomics
Classification: Benign. Review status: criteria provided, single submitter. Criteria: ACMG Guidelines, 2015. Collection method: not provided. Allele origin: germline. Inheritance: Autosomal recessive inheritance. Affected: yes.